The following is an entry in ClinVar:

ClinVar aggregate classification (germline): Uncertain significance. Review status: criteria provided, multiple submitters, no conflicts (2 of 4 stars). 2 submissions from 2 submitters: Uncertain significance (2). Last evaluated 2025-05-26.

Conditions:
Hereditary cancer-predisposing syndrome. Also called: Tumor predisposition; Hereditary neoplastic syndrome; Neoplastic Syndromes, Hereditary; Hereditary Cancer Syndrome. Identifiers: Orphanet 140162, MedGen C0027672, MeSH D009386, MONDO:0015356.
Gastrointestinal stromal tumor. Also called: Gastrointestinal stroma tumor; Gastrointestinal stromal tumor, somatic. Identifiers: Orphanet 44890, MedGen C0238198, MeSH D046152, MONDO:0011719, OMIM 606764, HP:0100723.

Submissions (2):

Ambry Genetics
Classification: Uncertain significance for Hereditary cancer-predisposing syndrome. Last evaluated: 2025-05-26. Review status: criteria provided, single submitter. Criteria: Ambry Variant Classification Scheme 2023. Collection method: clinical testing. Allele origin: germline.
Comment: The p.I370V variant (also known as c.1108A>G), located in coding exon 6 of the PDGFRA gene, results from an A to G substitution at nucleotide position 1108. The isoleucine at codon 370 is replaced by valine, an amino acid with highly similar properties. This amino acid position is conserved. In addition, this alteration is predicted to be tolerated by in silico analysis. Since supporting evidence is limited at this time, the clinical significance of this alteration remains unclear.

Labcorp Genetics (formerly Invitae), Labcorp
Classification: Uncertain significance for Gastrointestinal stromal tumor. Last evaluated: 2024-04-05. Review status: criteria provided, single submitter. Criteria: Invitae Variant Classification Sherloc (09022015). Collection method: clinical testing. Allele origin: germline.
Comment: This sequence change replaces isoleucine, which is neutral and non-polar, with valine, which is neutral and non-polar, at codon 370 of the PDGFRA protein (p.Ile370Val). This variant is not present in population databases (gnomAD no frequency). This variant has not been reported in the literature in individuals affected with PDGFRA-related conditions. ClinVar contains an entry for this variant (Variation ID: 458984). Algorithms developed to predict the effect of missense changes on protein structure and function output the following: SIFT: "Not Available"; PolyPhen-2: "Benign"; Align-GVGD: "Not Available". The valine amino acid residue is found in multiple mammalian species, which suggests that this missense change does not adversely affect protein function. In summary, the available evidence is currently insufficient to determine the role of this variant in disease. Therefore, it has been classified as a Variant of Uncertain Significance.

NM_006206.6(PDGFRA):c.1108A>G (p.Ile370Val)

Gene: PDGFRA (platelet derived growth factor receptor alpha; plus strand). Cytogenetic location: 4q12.
Variant type: single nucleotide variant.
Coding change: c.1108A>G on transcript NM_006206.6 (MANE Select); coding-DNA position 1108, A replaced by G.
Protein change: p.Ile370Val; replaces isoleucine 370 with valine.
Molecular consequence: missense variant.
Genome position (GRCh38, 1-based): chr4:54,267,728, A>G. VCF-style: chr4-54267728-A-G. GRCh37 (hg19) VCF-style: chr4-55133895-A-G.
Other names: c.1108A>G, p.Ile370Val (NM_001347827.2, NM_001347829.2); c.1183A>G, p.Ile395Val (NM_001347828.2); c.1147A>G, p.Ile383Val (NM_001347830.2); short protein forms I370V, I383V, I395V.
Identifiers: ClinVar variation 458984 (VCV000458984.12), dbSNP rs1553903361, ClinGen allele CA356891816.